The following is an entry in ClinVar:

NM_000330.4(RS1):c.523-2A>G

Genes: CDKL5 (cyclin dependent kinase like 5; plus strand), RS1 (retinoschisin 1; minus strand). Cytogenetic location: Xp22.13.
Variant type: single nucleotide variant.
Coding change: c.523-2A>G on transcript NM_000330.4 (MANE Select); the canonical splice acceptor site of the intron before coding-DNA position 523, A replaced by G.
Molecular consequence: splice acceptor variant. On other transcripts: intron variant (2).
Genome position (GRCh38, 1-based): chrX:18,642,158, T>C on the plus strand (A>G on the coding strand, the complement: RS1 is on the minus strand). VCF-style: chrX-18642158-T-C. GRCh37 (hg19) VCF-style: chrX-18660278-T-C.
Other names: c.2714-3849T>C (NM_003159.3, NM_001037343.2).
Identifiers: ClinVar variation 98982 (VCV000098982.8), dbSNP rs281865349, ClinGen allele CA226771.

ClinVar aggregate classification (germline): Pathogenic. Review status: criteria provided, single submitter (1 of 4 stars). 3 submissions from 3 submitters: Pathogenic (1). 2 of the submissions do not count toward it. Last evaluated 2022-06-10.

Conditions:
Retinoschisis. Identifiers: MedGen C0152439, MONDO:0004579, HP:0030502.

Submissions (3):

Labcorp Genetics (formerly Invitae), Labcorp
Classification: Pathogenic. Last evaluated: 2022-06-10. Review status: criteria provided, single submitter. Criteria: Invitae Variant Classification Sherloc (09022015). Collection method: clinical testing. Allele origin: germline.
Comment: For these reasons, this variant has been classified as Pathogenic. Variants that disrupt the consensus splice site are a relatively common cause of aberrant splicing (PMID: 17576681, 9536098). Algorithms developed to predict the effect of sequence changes on RNA splicing suggest that this variant may disrupt the consensus splice site. ClinVar contains an entry for this variant (Variation ID: 98982). Disruption of this splice site has been observed in individual(s) with retinoschisis (PMID: 9618178, 31456290; Invitae). This variant is not present in population databases (gnomAD no frequency). This sequence change affects an acceptor splice site in intron 5 of the RS1 gene. While this variant is not anticipated to result in nonsense mediated decay, it likely alters RNA splicing and results in a disrupted protein product.

Sharon lab, Hadassah-Hebrew University Medical Center
Classification: Pathogenic for retinoschisis. Last evaluated: 2019-06-23. Review status: no assertion criteria provided. Collection method: research. Allele origin: inherited. Affected: yes. Not counted in ClinVar's aggregate classification.

Retina International
No classification provided. Review status: no classification provided. Collection method: not provided. Allele origin: unknown. Not counted in ClinVar's aggregate classification.

Literature cited by the submitters: PubMed 17576681 (cited by Labcorp Genetics (formerly Invitae), Labcorp); PubMed 9536098 (cited by Labcorp Genetics (formerly Invitae), Labcorp); PubMed 9618178 (cited by Labcorp Genetics (formerly Invitae), Labcorp); PubMed 31456290 (cited by Labcorp Genetics (formerly Invitae), Labcorp).